The following is an entry in ClinVar:

ClinVar aggregate classification (germline): Uncertain significance (1 of 4 stars; one submission).

Conditions:
Atypical glycine encephalopathy. Also called: Glycine encephalopathy with normal serum glycine. Identifiers: Orphanet 289863, MedGen C4310943, MONDO:0015010, OMIM 617301.

Allele frequency attached by ClinVar (database versions not stated): TOPMed below 0.00001; ExAC 0.00001; gnomAD 0.00001; gnomAD exomes 0.00001 and 0.00002.
gnomAD v4.1: 11 of 1,613,124 alleles (0.00068%); highest among the groups gnomAD compares: Admixed American, 0.0017%; no homozygotes.

Submission:

Labcorp Genetics (formerly Invitae), Labcorp
Classification: Uncertain significance for Atypical glycine encephalopathy. Last evaluated: 2021-11-17. Review status: criteria provided, single submitter. Criteria: Invitae Variant Classification Sherloc (09022015). Collection method: clinical testing. Allele origin: germline.
Comment: In summary, the available evidence is currently insufficient to determine the role of this variant in disease. Therefore, it has been classified as a Variant of Uncertain Significance. Algorithms developed to predict the effect of missense changes on protein structure and function are either unavailable or do not agree on the potential impact of this missense change (SIFT: "Deleterious"; PolyPhen-2: "Benign"; Align-GVGD: "Class C0"). This variant has not been reported in the literature in individuals affected with SLC6A9-related conditions. This variant is present in population databases (rs756857614, gnomAD 0.002%). This sequence change replaces threonine, which is neutral and polar, with isoleucine, which is neutral and non-polar, at codon 635 of the SLC6A9 protein (p.Thr635Ile).

NM_001024845.3(SLC6A9):c.1685C>T (p.Thr562Ile)

Gene: SLC6A9 (solute carrier family 6 member 9; minus strand). Cytogenetic location: 1p34.1.
Variant type: single nucleotide variant.
Coding change: c.1685C>T on transcript NM_001024845.3 (MANE Select); coding-DNA position 1685, C replaced by T.
Protein change: p.Thr562Ile; replaces threonine 562 with isoleucine.
Molecular consequence: missense variant. On other transcripts: non-coding transcript variant (1), intron variant (1).
Genome position (GRCh38, 1-based): chr1:43,997,877, G>A on the plus strand (C>T on the coding strand, the complement: SLC6A9 is on the minus strand). VCF-style: chr1-43997877-G-A. GRCh37 (hg19) VCF-style: chr1-44463549-G-A.
Other names: c.1697C>T, p.Thr566Ile (NM_001261380.2); c.1352C>T, p.Thr451Ile (NM_001328626.2); c.1622C>T, p.Thr541Ile (NM_001328627.1); c.1490C>T, p.Thr497Ile (NM_001328628.1); c.1685C>T, p.Thr562Ile (NM_001328629.1); c.1742C>T, p.Thr581Ile (NM_006934.4); c.1904C>T, p.Thr635Ile (NM_201649.4); c.1204-138C>T (NM_001328630.2); short protein forms T451I, T566I, T581I, T541I, T635I, T497I, T562I.
Identifiers: ClinVar variation 1404356 (VCV001404356.6), dbSNP rs756857614, ClinGen allele CA817385.